The following is an entry in ClinVar:

NM_001042492.3(NF1):c.5269-17T>C

Gene: NF1 (neurofibromin 1; plus strand). Cytogenetic location: 17q11.2.
Variant type: single nucleotide variant.
Coding change: c.5269-17T>C on transcript NM_001042492.3 (MANE Select); 17 bases into the intron before coding-DNA position 5269, T replaced by C.
Molecular consequence: intron variant.
Genome position (GRCh38, 1-based): chr17:31,327,482, T>C. VCF-style: chr17-31327482-T-C. GRCh37 (hg19) VCF-style: chr17-29654500-T-C.
Other names: c.5206-17T>C (NM_000267.4).
Identifiers: ClinVar variation 5005737 (VCV005005737.2).

ClinVar aggregate classification (germline): Uncertain significance (1 of 4 stars; one submission).

Conditions:
Juvenile myelomonocytic leukemia (JMML). Also called: LEUKEMIA, JUVENILE MYELOMONOCYTIC, SOMATIC. Identifiers: Orphanet 86834, MedGen C0349639, MONDO:0011908, OMIM 607785, HP:0012209.
Neurofibromatosis-Noonan syndrome (NFNS). Also called: NEUROFIBROMATOSIS WITH NOONAN PHENOTYPE. Identifiers: Orphanet 638, MedGen C2931482, MONDO:0011035, OMIM 601321. Disease mechanism: loss of function.
Café-au-lait macules with pulmonary stenosis (WTSN). Also called: PULMONIC STENOSIS WITH CAFE-AU-LAIT SPOTS. Identifiers: MedGen C0553586, MONDO:0008672, OMIM 193520.
Neurofibromatosis, type 1 (NF1). Also called: Peripheral type neurofibromatosis; VON RECKLINGHAUSEN DISEASE; Neurofibromatosis, type I; NEUROFIBROMATOSIS, TYPE I, SOMATIC. Identifiers: Orphanet 636, MedGen C0027831, MONDO:0018975, OMIM 162200. Disease mechanism: loss of function.
Neurofibromatosis, familial spinal (FSNF). Identifiers: Orphanet 636, MedGen C1834235, MONDO:0008078, OMIM 162210. Disease mechanism: loss of function.

Submission:

Juno Genomics, Hangzhou Juno Genomics, Inc
Classification: Uncertain significance for Café-au-lait macules with pulmonary stenosis; Neurofibromatosis, type 1; Juvenile myelomonocytic leukemia; Neurofibromatosis, familial spinal; Neurofibromatosis-Noonan syndrome. Review status: criteria provided, single submitter. Criteria: ACMG Guidelines, 2015. Collection method: clinical testing. Allele origin: germline.
Comment: Absent from controls (or at extremely low frequency if recessive) in Genome Aggregation Database.;Multiple lines of computational evidence suggest no impact on gene or gene product.